The following is an entry in ClinVar:

ClinVar aggregate classification (germline): Uncertain significance. Review status: criteria provided, multiple submitters, no conflicts (2 of 4 stars). 2 submissions from 2 submitters: Uncertain significance (2). Last evaluated 2024-06-01.

Submissions (2):

CeGaT Center for Human Genetics Tuebingen
Classification: Uncertain significance. Last evaluated: 2024-06-01. Review status: criteria provided, single submitter. Criteria: CeGaT Center For Human Genetics Tuebingen Variant Classification Criteria Version 2. Collection method: clinical testing. Allele origin: germline. Affected: yes. Observed: 1 variant allele.
Comment: CIC: PM2

GeneDx
Classification: Uncertain significance. Last evaluated: 2022-06-18. Review status: criteria provided, single submitter. Criteria: GeneDx Variant Classification Process June 2021. Collection method: clinical testing. Allele origin: germline. Affected: yes.
Comment: Not observed at significant frequency in large population cohorts (gnomAD); In-frame duplication of 5 amino acids in a non-repeat region; In silico analysis supports that this variant does not alter protein structure/function; Has not been previously published as pathogenic or benign to our knowledge

NM_001386298.1(CIC):c.7436_7450dup (p.Pro2483_Leu2484insGlnAlaAlaProPro)

Gene: CIC (capicua transcriptional repressor; plus strand). Cytogenetic location: 19q13.2.
Variant type: Duplication.
Coding change: c.7436_7450dup on transcript NM_001386298.1 (MANE Select); coding-DNA positions 7436 to 7450, 15 bases duplicated (AGGCTGCCCCGCCAC).
Protein change: p.Pro2483_Leu2484insGlnAlaAlaProPro.
Molecular consequence: inframe insertion. On other transcripts: inframe indel (1).
Genome position (GRCh38, 1-based): chr19:42,295,073-42,295,087, AGGCTGCCCCGCCAC duplicated; duplicating any 15 consecutive bases within chr19:42,295,072-42,295,087 gives the same sequence; the c. name uses the placement nearest the transcript's 3' end. VCF-style (leftmost placement, unchanged base first): chr19-42295071-C-CCAGGCTGCCCCGCCA. GRCh37 (hg19) VCF-style: chr19-42799223-C-CCAGGCTGCCCCGCCA.
Other names: c.7436_7450dup, p.Pro2483_Leu2484insGlnAlaAlaProPro (NM_001304815.2); c.7433_7447dup, p.Pro2482_Leu2483insGlnAlaAlaProPro (NM_001379480.1, NM_001379482.1, NM_001379483.1); c.4703_4717dup, p.Pro1572_Leu1573insGlnAlaAlaProPro (NM_001379484.1); c.4700_4714dup, p.Pro1571_Leu1572insGlnAlaAlaProPro (NM_001379485.1); c.4709_4723dup, p.Pro1574_Leu1575insGlnAlaAlaProPro (NM_015125.5).
Identifiers: ClinVar variation 1804455 (VCV001804455.19), dbSNP rs2514109507, ClinGen allele CA2580097350.
Genomic context (GRCh38, chr19:42,295,071, plus strand): 5'-CACTCCCAGCCCCGCAGGGGGCCCTGACCCCACCTCACCCAGCTCGGACTCTGGCACGGC[C>CCAGGCTGCCCCGCCA]CAGGCTGCCCCGCCACTGCCTCCACCCCCAGAGTCGGGGCCTGGACAGCCTGGCTGGGAG-3'